The following is an entry in ClinVar:

ClinVar aggregate classification (germline): Uncertain significance (1 of 4 stars; one submission).

gnomAD v4.1: 6 of 1,193,338 alleles (0.0005%); highest among the groups gnomAD compares: African/African-American, 0.0018%; no homozygotes.

Submission:

GeneDx
Classification: Uncertain significance. Last evaluated: 2025-01-29. Review status: criteria provided, single submitter. Criteria: GeneDx Variant Classification Process June 2021. Collection method: clinical testing. Allele origin: germline. Affected: yes.
Comment: Not observed at significant frequency in large population cohorts (gnomAD); In silico analysis supports that this missense variant has a deleterious effect on protein structure/function; This variant is associated with the following publications: (PMID: 34363551, 37541188)

NM_001367721.1(CASK):c.1610G>A (p.Arg537Gln)

Gene: CASK (calcium/calmodulin dependent serine protein kinase; minus strand). Cytogenetic location: Xp11.4.
Variant type: single nucleotide variant.
Coding change: c.1610G>A on transcript NM_001367721.1 (MANE Select); coding-DNA position 1610, G replaced by A.
Protein change: p.Arg537Gln; replaces arginine 537 with glutamine.
Molecular consequence: missense variant.
Genome position (GRCh38, 1-based): chrX:41,561,617, C>T on the plus strand (G>A on the coding strand, the complement: CASK is on the minus strand). VCF-style: chrX-41561617-C-T. GRCh37 (hg19) VCF-style: chrX-41420870-C-T.
Other names: c.1610G>A, p.Arg537Gln (NM_001126054.3, NM_003688.4); c.1592G>A, p.Arg531Gln (NM_001126055.3, NM_001410745.1); short protein forms R531Q, R537Q.
Identifiers: ClinVar variation 4072442 (VCV004072442.1).